The following is an entry in ClinVar:

ClinVar aggregate classification (germline): Conflicting classifications of pathogenicity. Review status: criteria provided, conflicting classifications (1 of 4 stars). 7 submissions from 6 submitters: Uncertain significance (6); Likely benign (1). Last evaluated 2025-12-11.

Conditions:
SETX-related disorder. Also called: SETX-related condition; SETX-related disorders. Identifiers: MedGen CN239403.
Spinocerebellar ataxia, autosomal recessive, with axonal neuropathy 2 (SCAN2). Also called: Ataxia with Oculomotor Apraxia Type 2; ATAXIA-OCULOMOTOR APRAXIA 2; Ataxia-ocular apraxia-2; Ataxia with Oculomotor Apraxia. Identifiers: Orphanet 64753, MedGen C1853761, MONDO:0018996, OMIM 606002.
Amyotrophic lateral sclerosis type 4 (ALS4). Also called: AMYOTROPHIC LATERAL SCLEROSIS 4, JUVENILE; NEURONOPATHY, DISTAL HEREDITARY MOTOR, WITH PYRAMIDAL FEATURES. Identifiers: Orphanet 357043, MedGen C1865409, MONDO:0011223, OMIM 602433.
Inborn genetic diseases. Identifiers: MedGen C0950123, MeSH D030342.

Allele frequency attached by ClinVar (database versions not stated): ExAC 0.00002; gnomAD 0.00002; gnomAD exomes 0.00002; TOPMed 0.00004; ESP Exome Variant Server 0.00008.
gnomAD v4.1: 57 of 1,613,814 alleles (0.0035%); highest among the groups gnomAD compares: Non-Finnish European, 0.0042%; no homozygotes.

Submissions (7):

PreventionGenetics, part of Exact Sciences
Classification: Uncertain significance for SETX-related condition. Last evaluated: 2025-12-11. Review status: criteria provided, single submitter. Criteria: ACMG Guidelines, 2015. Collection method: clinical testing. Allele origin: germline.
Comment: The SETX c.3200C>T variant is predicted to result in the amino acid substitution p.Thr1067Ile. To our knowledge, this variant has not been reported in the literature. This variant is reported in 0.0047% of alleles in individuals of European (non-Finnish) descent in gnomAD. At this time, the clinical significance of this variant is uncertain due to the absence of conclusive functional and genetic evidence.

Labcorp Genetics (formerly Invitae), Labcorp
Classification: Likely benign for Amyotrophic lateral sclerosis type 4; Spinocerebellar ataxia, autosomal recessive, with axonal neuropathy 2. Last evaluated: 2025-10-22. Review status: criteria provided, single submitter. Criteria: Invitae Variant Classification Sherloc (09022015). Collection method: clinical testing. Allele origin: germline.

Ambry Genetics
Classification: Uncertain significance for Inborn genetic diseases. Last evaluated: 2023-09-13. Review status: criteria provided, single submitter. Criteria: Ambry Variant Classification Scheme 2023. Collection method: clinical testing. Allele origin: germline.

GeneDx
Classification: Uncertain significance. Last evaluated: 2023-03-31. Review status: criteria provided, single submitter. Criteria: GeneDx Variant Classification Process June 2021. Collection method: clinical testing. Allele origin: germline.
Comment: In silico analysis supports that this missense variant does not alter protein structure/function; Has not been previously published as pathogenic or benign to our knowledge

ARUP Laboratories, Molecular Genetics and Genomics, ARUP Laboratories
Classification: Uncertain significance. Last evaluated: 2019-09-13. Review status: criteria provided, single submitter. Criteria: ARUP Molecular Germline Variant Investigation Process. Collection method: clinical testing. Allele origin: germline.
Comment: The SETX c.3200C>T; p.Thr1067Ile variant (rs374091487), to our knowledge, is not reported in the medical literature but is reported in ClinVar (Variation ID: 365360). This variant is found in the non-Finnish European population with an overall allele frequency of 0.005% (6/128938 alleles) in the Genome Aggregation Database. The threonine at codon 1067 is weakly conserved, and computational analyses (SIFT: damaging, PolyPhen-2: benign) predict conflicting effects of this variant on protein structure/function. However, due to limited information, the clinical significance of the p.Thr1067Ile variant is uncertain at this time.

Illumina Laboratory Services, Illumina
Classification: Uncertain significance for Amyotrophic lateral sclerosis type 4. Last evaluated: 2018-01-12. Review status: criteria provided, single submitter. Criteria: ICSL Variant Classification Criteria 13 December 2019. Collection method: clinical testing. Allele origin: germline.

Illumina Laboratory Services, Illumina
Classification: Uncertain significance for Spinocerebellar ataxia, autosomal recessive, with axonal neuropathy 2. Last evaluated: 2018-01-12. Review status: criteria provided, single submitter. Criteria: ICSL Variant Classification Criteria 13 December 2019. Collection method: clinical testing. Allele origin: germline.

NM_015046.7(SETX):c.3200C>T (p.Thr1067Ile)

Gene: SETX (senataxin; minus strand). Cytogenetic location: 9q34.13.
Variant type: single nucleotide variant.
Coding change: c.3200C>T on transcript NM_015046.7 (MANE Select); coding-DNA position 3200, C replaced by T.
Protein change: p.Thr1067Ile; replaces threonine 1067 with isoleucine.
Molecular consequence: missense variant.
Genome position (GRCh38, 1-based): chr9:132,328,398, G>A on the plus strand (C>T on the coding strand, the complement: SETX is on the minus strand). VCF-style: chr9-132328398-G-A. GRCh37 (hg19) VCF-style: chr9-135203785-G-A.
Other names: c.3200C>T, p.Thr1067Ile (NM_001351527.2, NM_001351528.2); short protein forms T1067I.
Identifiers: ClinVar variation 365360 (VCV000365360.21), dbSNP rs374091487, ClinGen allele CA5297452.
Genomic context (GRCh38, chr9:132,328,398, plus strand): 5'-GATGAACTTTCAAACTCAAAACACTGAGAATCAGATTCCTCAAACTGAAAAAGAGTCTCT[G>A]TCTTTTCTTCCTTTACTGGATTCTTTTCCTCCTTACTATTAACTGTTGAAACGTGCTGCT-3'
Protein context (NP_055861.3, residues 1057-1077): EEKNPVKEEK[Thr1067Ile]ETLFQFEESD